The following is an entry in ClinVar:

NM_153252.5(BRWD3):c.2555A>T (p.Asp852Val)

Gene: BRWD3 (bromodomain and WD repeat domain containing 3; minus strand). Cytogenetic location: Xq21.1.
Variant type: single nucleotide variant.
Coding change: c.2555A>T on transcript NM_153252.5 (MANE Select); coding-DNA position 2555, A replaced by T.
Protein change: p.Asp852Val; replaces aspartic acid 852 with valine.
Molecular consequence: missense variant.
Genome position (GRCh38, 1-based): chrX:80,704,844, T>A on the plus strand (A>T on the coding strand, the complement: BRWD3 is on the minus strand). VCF-style: chrX-80704844-T-A. GRCh37 (hg19) VCF-style: chrX-79960343-T-A.
Other names: short protein forms D852V.
Identifiers: ClinVar variation 3384433 (VCV003384433.2).

ClinVar aggregate classification (germline): Uncertain significance (1 of 4 stars; one submission).

Submission:

GeneDx
Classification: Uncertain significance. Last evaluated: 2025-08-07. Review status: criteria provided, single submitter. Criteria: GeneDx Variant Classification Process June 2021. Collection method: clinical testing. Allele origin: germline.
Comment: Not observed at significant frequency in large population cohorts (gnomAD); In silico analysis supports that this missense variant has a deleterious effect on protein structure/function; Has not been previously published as pathogenic or benign to our knowledge